The following is an entry in ClinVar:

ClinVar aggregate classification (germline): Uncertain significance (1 of 4 stars; one submission).

gnomAD v4.1: 6 of 1,209,133 alleles (0.0005%); highest among the groups gnomAD compares: African/African-American, 0.0053%; no homozygotes.

Submission:

Greenwood Genetic Center Diagnostic Laboratories, Greenwood Genetic Center
Classification: Uncertain significance. Last evaluated: 2025-05-29. Review status: criteria provided, single submitter. Criteria: ACMG Guidelines, 2015. Collection method: clinical testing. Allele origin: germline. Affected: yes.
Comment: Gene of Uncertain Significance

NM_001184727.2(GPRASP1):c.1678G>A (p.Val560Ile)

Genes: ARMCX5-GPRASP2 (ARMCX5-GPRASP2 readthrough; plus strand), GPRASP1 (G protein-coupled receptor associated sorting protein 1; plus strand). Cytogenetic location: Xq22.1.
Variant type: single nucleotide variant.
Coding change: c.1678G>A on transcript NM_001184727.2 (MANE Select); coding-DNA position 1678, G replaced by A.
Protein change: p.Val560Ile; replaces valine 560 with isoleucine.
Molecular consequence: missense variant. On other transcripts: intron variant (2).
Genome position (GRCh38, 1-based): chrX:102,655,591, G>A. VCF-style: chrX-102655591-G-A. GRCh37 (hg19) VCF-style: chrX-101910519-G-A.
Other names: c.1678G>A, p.Val560Ile (NM_001099410.2, NM_001099411.2, NM_014710.5); c.-480+49938G>A (NM_001199818.1); c.-966+49938G>A (NM_001350268.2); short protein forms V560I.
Identifiers: ClinVar variation 4538272 (VCV004538272.1).